The following is an entry in ClinVar:

ClinVar aggregate classification (germline): Uncertain significance (1 of 4 stars; one submission).

Submission:

GeneDx
Classification: Uncertain significance. Last evaluated: 2019-05-23. Review status: criteria provided, single submitter. Criteria: GeneDx Variant Classification Process June 2021. Collection method: clinical testing. Allele origin: germline. Affected: yes.
Comment: Not observed in large population cohorts (Lek et al., 2016); In silico analysis, which includes protein predictors and evolutionary conservation, supports a deleterious effect; Has not been previously published as pathogenic or benign to our knowledge

NM_001323289.2(CDKL5):c.392T>C (p.Ile131Thr)

Gene: CDKL5 (cyclin dependent kinase like 5; plus strand). Cytogenetic location: Xp22.13.
Variant type: single nucleotide variant.
Coding change: c.392T>C on transcript NM_001323289.2 (MANE Select); coding-DNA position 392, T replaced by C.
Protein change: p.Ile131Thr; replaces isoleucine 131 with threonine.
Molecular consequence: missense variant.
Genome position (GRCh38, 1-based): chrX:18,579,957, T>C. VCF-style: chrX-18579957-T-C. GRCh37 (hg19) VCF-style: chrX-18598077-T-C.
Other names: c.392T>C, p.Ile131Thr (NM_001037343.2, NM_003159.3); short protein forms I131T.
Identifiers: ClinVar variation 1302644 (VCV001302644.2), dbSNP rs2147142715, ClinGen allele CA412350387.